The following is an entry in ClinVar:

NM_000569.8(FCGR3A):c.145G>A (p.Gly49Arg)

Gene: FCGR3A (Fc gamma receptor IIIa; minus strand). Cytogenetic location: 1q23.3.
Variant type: single nucleotide variant.
Coding change: c.145G>A on transcript NM_000569.8 (MANE Select); coding-DNA position 145, G replaced by A.
Protein change: p.Gly49Arg; replaces glycine 49 with arginine.
Molecular consequence: missense variant.
Genome position (GRCh38, 1-based): chr1:161,548,595, C>T on the plus strand (G>A on the coding strand, the complement: FCGR3A is on the minus strand). VCF-style: chr1-161548595-C-T. GRCh37 (hg19) VCF-style: chr1-161518385-C-T.
Other names: c.457G>A, p.Gly153Arg (NM_001127592.2); c.145G>A, p.Gly49Arg (NM_001127593.1, NM_001127595.2, NM_001329120.2); c.142G>A, p.Gly48Arg (NM_001127596.2, NM_001386450.1); c.460G>A, p.Gly154Arg (NM_001329122.1); short protein forms G49R, G153R, G154R, G48R.
Identifiers: ClinVar variation 1034271 (VCV001034271.3), dbSNP rs777467556, ClinGen allele CA1211521.

ClinVar aggregate classification (germline): Uncertain significance. Review status: criteria provided, multiple submitters, no conflicts (2 of 4 stars). 3 submissions from 3 submitters: Uncertain significance (3). Last evaluated 2024-08-21.

Conditions:
Autosomal recessive primary immunodeficiency with defective spontaneous natural killer cell cytotoxicity. Also called: Immunodeficiency 20. Identifiers: Orphanet 437552, MedGen C3810342, MONDO:0014313, OMIM 615707.

Allele frequency attached by ClinVar (database versions not stated): ExAC 0.00001; gnomAD 0.00003 and 0.00004.

Submissions (3):

Ambry Genetics
Classification: Uncertain significance. Last evaluated: 2024-08-21. Review status: criteria provided, single submitter. Criteria: Ambry Variant Classification Scheme 2023. Collection method: clinical testing. Allele origin: germline.

Blueprint Genetics
Classification: Uncertain significance. Last evaluated: 2024-06-09. Review status: criteria provided, single submitter. Criteria: ACMG Guidelines, 2015. Collection method: clinical testing. Allele origin: germline.

Baylor Genetics
Classification: Uncertain significance for Autosomal recessive primary immunodeficiency with defective spontaneous natural killer cell cytotoxicity. Last evaluated: 2018-04-19. Review status: criteria provided, single submitter. Criteria: ACMG Guidelines, 2015. Collection method: clinical testing. Allele origin: unknown. Affected: yes.
Comment: This variant was determined to be of uncertain significance according to ACMG Guidelines, 2015 [PMID:25741868].